The following is an entry in ClinVar:

ClinVar aggregate classification (germline): Uncertain significance (1 of 4 stars; one submission).

Conditions:
Genitopatellar syndrome (GTPTS). Also called: ABSENT PATELLAE, SCROTAL HYPOPLASIA, RENAL ANOMALIES, FACIAL DYSMORPHISM, AND MENTAL RETARDATION; Genitopatellar syndrome (GPS). Identifiers: Orphanet 85201, MedGen C1853566, MONDO:0011640, OMIM 606170.

Submission:

Labcorp Genetics (formerly Invitae), Labcorp
Classification: Uncertain significance for Genitopatellar syndrome. Last evaluated: 2018-01-14. Review status: criteria provided, single submitter. Criteria: Invitae Variant Classification Sherloc (09022015). Collection method: clinical testing. Allele origin: germline.
Comment: Experimental studies and prediction algorithms are not available for this variant, and the functional significance of the deleted amino acids is currently unknown. In summary, the available evidence is currently insufficient to determine the role of this variant in disease. Therefore, it has been classified as a Variant of Uncertain Significance. This variant has been reported in an individual affected with Say-Barber-Biesecker syndrome, also known as Say-Barber-Biesecker-Young-Simpson syndrome (PMID: 25424711). This variant is not present in population databases (ExAC no frequency). This sequence change results in a premature translational stop signal in the KAT6B gene (p.Gln1911*). While this is not anticipated to result in nonsense mediated decay, it is expected to delete the last 163 amino acids of the KAT6B protein.

Literature cited by the submitters: PubMed 25424711.

NM_012330.4(KAT6B):c.5731C>T (p.Gln1911Ter)

Gene: KAT6B (lysine acetyltransferase 6B; plus strand). Cytogenetic location: 10q22.2.
Variant type: single nucleotide variant.
Coding change: c.5731C>T on transcript NM_012330.4 (MANE Select); coding-DNA position 5731, C replaced by T.
Protein change: p.Gln1911Ter; replaces glutamine 1911 with a stop codon.
Molecular consequence: nonsense.
Genome position (GRCh38, 1-based): chr10:75,030,555, C>T. VCF-style: chr10-75030555-C-T. GRCh37 (hg19) VCF-style: chr10-76790313-C-T.
Other names: c.5182C>T, p.Gln1728Ter (NM_001256468.2, NM_001370138.1); c.4855C>T, p.Gln1619Ter (NM_001256469.2, NM_001370139.1, NM_001370140.1 and 2 more transcripts); c.4693C>T, p.Gln1565Ter (NM_001370132.1); c.4042C>T, p.Gln1348Ter (NM_001370133.1); c.3646C>T, p.Gln1216Ter (NM_001370134.1); c.3388C>T, p.Gln1130Ter (NM_001370135.1); c.5731C>T, p.Gln1911Ter (NM_001370136.1, NM_001370137.1); c.4666C>T, p.Gln1556Ter (NM_001370143.1, NM_001370144.1); short protein forms Q1911*, Q1619*, Q1565*, Q1348*, Q1728*, Q1130*, Q1216*, Q1556*.
Identifiers: ClinVar variation 567203 (VCV000567203.9), dbSNP rs1564633281, ClinGen allele CA377302047.